The following is an entry in ClinVar:

ClinVar aggregate classification (germline): Uncertain significance. Review status: criteria provided, multiple submitters, no conflicts (2 of 4 stars). 2 submissions from 2 submitters: Uncertain significance (2). Last evaluated 2025-11-09.

Conditions:
Hereditary cancer-predisposing syndrome. Also called: Neoplastic Syndromes, Hereditary; Hereditary neoplastic syndrome; Tumor predisposition; Hereditary Cancer Syndrome. Identifiers: Orphanet 140162, MedGen C0027672, MeSH D009386, MONDO:0015356.
Hereditary pheochromocytoma and paraganglioma. Also called: Hereditary Paraganglioma-Pheochromocytoma Syndromes; Hereditary paragangliomas and pheochromocytomas; Hereditary pheochromocytoma-paraganglioma. Identifiers: Orphanet 29072, MedGen C4274332, MONDO:0017366.

Allele frequency attached by ClinVar (database versions not stated): gnomAD exomes below 0.00001 and 0.00001; ExAC 0.00001; gnomAD 0.00001; TOPMed 0.00001.
gnomAD v4.1: 4 of 1,612,104 alleles (0.00025%); highest among the groups gnomAD compares: African/African-American, 0.004%; no homozygotes.

Submissions (2):

Labcorp Genetics (formerly Invitae), Labcorp
Classification: Uncertain significance for Hereditary pheochromocytoma and paraganglioma. Last evaluated: 2025-11-09. Review status: criteria provided, single submitter. Criteria: Invitae Variant Classification Sherloc (09022015). Collection method: clinical testing. Allele origin: germline.
Comment: This sequence change replaces serine, which is neutral and polar, with glycine, which is neutral and non-polar, at codon 45 of the MAX protein (p.Ser45Gly). This variant is present in population databases (rs780865640, gnomAD 0.01%). This variant has not been reported in the literature in individuals affected with MAX-related conditions. ClinVar contains an entry for this variant (Variation ID: 485707). Invitae Evidence Modeling incorporating data from in vitro experimental studies (internal data) indicates that this missense variant is not expected to disrupt MAX function with a negative predictive value of 95%. In summary, the available evidence is currently insufficient to determine the role of this variant in disease. Therefore, it has been classified as a Variant of Uncertain Significance.

Ambry Genetics
Classification: Uncertain significance for Hereditary cancer-predisposing syndrome. Last evaluated: 2024-05-09. Review status: criteria provided, single submitter. Criteria: Ambry Variant Classification Scheme 2023. Collection method: clinical testing. Allele origin: germline.
Comment: The p.S45G variant (also known as c.133A>G), located in coding exon 3 of the MAX gene, results from an A to G substitution at nucleotide position 133. The serine at codon 45 is replaced by glycine, an amino acid with similar properties. This amino acid position is highly conserved in available vertebrate species. In addition, this alteration is predicted to be deleterious by in silico analysis. Since supporting evidence is limited at this time, the clinical significance of this alteration remains unclear.

NM_002382.5(MAX):c.133A>G (p.Ser45Gly)

Genes: MAX (MYC associated transcriptional regulator X; minus strand), MAX-AS1 (MAX antisense RNA 1; plus strand). Cytogenetic location: 14q23.3.
Variant type: single nucleotide variant.
Coding change: c.133A>G on transcript NM_002382.5 (MANE Select); coding-DNA position 133, A replaced by G.
Protein change: p.Ser45Gly; replaces serine 45 with glycine.
Molecular consequence: missense variant. On other transcripts: synonymous variant (1), non-coding transcript variant (1), 5 prime UTR variant (1).
Genome position (GRCh38, 1-based): chr14:65,093,746, T>C on the plus strand (A>G on the coding strand, the complement: MAX is on the minus strand). VCF-style: chr14-65093746-T-C. GRCh37 (hg19) VCF-style: chr14-65560464-T-C.
Other names: c.-142A>G (NM_001407107.1, NM_001320415.2, NM_001407105.1 and 1 more transcripts); c.106A>G, p.Ser36Gly (NM_001407108.1, NM_001407109.1, NM_001407110.1 and 9 more transcripts); c.-235A>G (NM_001407111.1, NM_001407112.1); c.156A>G, p.Thr52= (NM_001407114.1); c.133A>G, p.Ser45Gly (NM_001407094.1, NM_001407096.1, NM_001407097.1 and 5 more transcripts); short protein forms S45G, S36G.
Identifiers: ClinVar variation 485707 (VCV000485707.16), dbSNP rs780865640, ClinGen allele CA7232979.